The following is an entry in ClinVar:

NM_006206.6(PDGFRA):c.2725A>T (p.Ile909Phe)

Gene: PDGFRA (platelet derived growth factor receptor alpha; plus strand). Cytogenetic location: 4q12.
Variant type: single nucleotide variant.
Coding change: c.2725A>T on transcript NM_006206.6 (MANE Select); coding-DNA position 2725, A replaced by T.
Protein change: p.Ile909Phe; replaces isoleucine 909 with phenylalanine.
Molecular consequence: missense variant.
Genome position (GRCh38, 1-based): chr4:54,288,849, A>T. VCF-style: chr4-54288849-A-T. GRCh37 (hg19) VCF-style: chr4-55155016-A-T.
Other names: c.2800A>T, p.Ile934Phe (NM_001347828.2); c.2725A>T, p.Ile909Phe (NM_001347829.2); c.2764A>T, p.Ile922Phe (NM_001347830.2); short protein forms I909F, I922F, I934F.
Identifiers: ClinVar variation 407411 (VCV000407411.9), dbSNP rs1060501509, ClinGen allele CA16611565.
Genomic context (GRCh38, chr4:54,288,849, plus strand): 5'-TGGCTTTTAGGTGGCACCCCTTACCCCGGCATGATGGTGGATTCTACTTTCTACAATAAG[A>T]TCAAGAGTGGGTACCGGATGGCCAAGCCTGACCACGCTACCAGTGAAGTGTGAGCTCCTT-3'
Protein context (NP_006197.1, residues 899-919): MMVDSTFYNK[Ile909Phe]KSGYRMAKPD

ClinVar aggregate classification (germline): Uncertain significance (1 of 4 stars; one submission).

Conditions:
Gastrointestinal stromal tumor. Also called: Gastrointestinal stromal tumor, somatic; Gastrointestinal stroma tumor. Identifiers: Orphanet 44890, MedGen C0238198, MeSH D046152, MONDO:0011719, OMIM 606764, HP:0100723.

Submission:

Labcorp Genetics (formerly Invitae), Labcorp
Classification: Uncertain significance for Gastrointestinal stromal tumor. Last evaluated: 2016-06-12. Review status: criteria provided, single submitter. Criteria: Invitae Variant Classification Sherloc (09022015). Collection method: clinical testing. Allele origin: germline.
Comment: In summary, this variant is a novel missense change with uncertain impact on protein function. It has been classified as a Variant of Uncertain Significance. Algorithms developed to predict the effect of missense changes on protein structure and function do not agree on the potential impact of this missense change (SIFT: "Deleterious"; PolyPhen-2: "Probably Damaging"; Align-GVGD: "Class C0"). This variant is not present in population databases (ExAC no frequency) and has not been reported in the literature in individuals with a PDGFRA-related disease. This sequence change replaces isoleucine with phenylalanine at codon 909 of the PDGFRA protein (p.Ile909Phe). The isoleucine residue is highly conserved and there is a small physicochemical difference between isoleucine and phenylalanine.